The following is an entry in ClinVar:

ClinVar aggregate classification (germline): Uncertain significance (1 of 4 stars; one submission).

Conditions:
SHMT2-related disorder. Also called: SHMT2-related condition.

Submission:

PreventionGenetics, part of Exact Sciences
Classification: Uncertain significance for SHMT2-related condition. Last evaluated: 2025-01-26. Review status: criteria provided, single submitter. Criteria: ACMG Guidelines, 2015. Collection method: clinical testing. Allele origin: germline.
Comment: The SHMT2 c.638C>T variant is predicted to result in the amino acid substitution p.Ala213Val. To our knowledge, this variant has not been reported in the literature. This variant is reported in 0.0029% of alleles in individuals of Latino descent in gnomAD. At this time, the clinical significance of this variant is uncertain due to the absence of conclusive functional and genetic evidence.

NM_005412.6(SHMT2):c.638C>T (p.Ala213Val)

Gene: SHMT2 (serine hydroxymethyltransferase 2; plus strand). Cytogenetic location: 12q13.3.
Variant type: single nucleotide variant.
Coding change: c.638C>T on transcript NM_005412.6 (MANE Select); coding-DNA position 638, C replaced by T.
Protein change: p.Ala213Val; replaces alanine 213 with valine.
Molecular consequence: missense variant. On other transcripts: non-coding transcript variant (4).
Genome position (GRCh38, 1-based): chr12:57,232,496, C>T. VCF-style: chr12-57232496-C-T. GRCh37 (hg19) VCF-style: chr12-57626279-C-T.
Other names: c.608C>T, p.Ala203Val (NM_001166356.2); c.575C>T, p.Ala192Val (NM_001166357.1, NM_001166358.2, NM_001166359.1); short protein forms A192V, A203V, A213V.
Identifiers: ClinVar variation 5001473 (VCV005001473.1).